The following is an entry in ClinVar:

ClinVar aggregate classification (germline): Uncertain significance. Review status: criteria provided, multiple submitters, no conflicts (2 of 4 stars). 7 submissions from 7 submitters: Uncertain significance (7). Last evaluated 2026-06-11.

Conditions:
Inborn genetic diseases. Identifiers: MedGen C0950123, MeSH D030342.
Usher syndrome type 2C. Also called: USHER SYNDROME, TYPE IIC; Usher syndrome, type 2B. Identifiers: Orphanet 231178, Orphanet 886, MedGen C2931213, MONDO:0011558, OMIM 605472.
ADGRV1-related disorder. Also called: ADGRV1-related disorders; ADGRV1-related condition.

Allele frequency attached by ClinVar (database versions not stated): TOPMed 0.00012.
gnomAD v4.1: 188 of 1,391,034 alleles (0.014%); highest among the groups gnomAD compares: Middle Eastern, 0.29%; no homozygotes.

Submissions (7):

PreventionGenetics, part of Exact Sciences
Classification: Uncertain significance for ADGRV1-related condition. Last evaluated: 2026-06-11. Review status: criteria provided, single submitter. Criteria: ACMG Guidelines, 2015. Collection method: clinical testing. Allele origin: germline.
Comment: The ADGRV1 c.17017A>C variant is predicted to result in the amino acid substitution p.Lys5673Gln. To our knowledge, this variant has not been reported in the literature. This variant is reported in 0.026% of alleles in individuals of European (Non-Finnish) descent in gnomAD. Another variant affecting the same amino acid position, c.17017A>G, p.(Lys5673Glu), has been reported in an individual with pars planitis (Supplemental Table 2, Li et al. 2020. PubMed ID: 32707200); however, additional genetic information was not provided. At this time, the clinical significance of this c.17017A>C, p.(Lys5673Gln) variant is uncertain due to the absence of conclusive functional and genetic evidence.

Ambry Genetics
Classification: Uncertain significance for Inborn genetic diseases. Last evaluated: 2025-06-18. Review status: criteria provided, single submitter. Criteria: Ambry Variant Classification Scheme 2023. Collection method: clinical testing. Allele origin: germline.

Blueprint Genetics
Classification: Uncertain significance. Last evaluated: 2024-07-16. Review status: criteria provided, single submitter. Criteria: ACMG Guidelines, 2015. Collection method: clinical testing. Allele origin: germline.

Labcorp Genetics (formerly Invitae), Labcorp
Classification: Uncertain significance. Last evaluated: 2024-01-19. Review status: criteria provided, single submitter. Criteria: Invitae Variant Classification Sherloc (09022015). Collection method: clinical testing. Allele origin: germline.
Comment: This sequence change replaces lysine, which is basic and polar, with glutamine, which is neutral and polar, at codon 5673 of the ADGRV1 protein (p.Lys5673Gln). This variant is present in population databases (rs41303350, gnomAD 0.02%). This variant has not been reported in the literature in individuals affected with ADGRV1-related conditions. ClinVar contains an entry for this variant (Variation ID: 904316). Algorithms developed to predict the effect of missense changes on protein structure and function output the following: SIFT: "Not Available"; PolyPhen-2: "Benign"; Align-GVGD: "Not Available". The glutamine amino acid residue is found in multiple mammalian species, which suggests that this missense change does not adversely affect protein function. In summary, the available evidence is currently insufficient to determine the role of this variant in disease. Therefore, it has been classified as a Variant of Uncertain Significance.

GeneDx
Classification: Uncertain significance. Last evaluated: 2022-04-11. Review status: criteria provided, single submitter. Criteria: GeneDx Variant Classification Process June 2021. Collection method: clinical testing. Allele origin: germline. Affected: yes.
Comment: In silico analysis supports that this missense variant does not alter protein structure/function; Has not been previously published as pathogenic or benign to our knowledge

Illumina Laboratory Services, Illumina
Classification: Uncertain significance for Usher syndrome type 2C. Last evaluated: 2018-01-13. Review status: criteria provided, single submitter. Criteria: ICSL Variant Classification Criteria 13 December 2019. Collection method: clinical testing. Allele origin: germline.

Breakthrough Genomics
Classification: Uncertain significance. Review status: criteria provided, single submitter. Criteria: ACMG Guidelines, 2015. Collection method: not provided. Allele origin: germline. Inheritance: Autosomal recessive inheritance. Affected: yes.

NM_032119.4(ADGRV1):c.17017A>C (p.Lys5673Gln)

Gene: ADGRV1 (adhesion G protein-coupled receptor V1; plus strand). Cytogenetic location: 5q14.3.
Variant type: single nucleotide variant.
Coding change: c.17017A>C on transcript NM_032119.4 (MANE Select); coding-DNA position 17017, A replaced by C.
Protein change: p.Lys5673Gln; replaces lysine 5673 with glutamine.
Molecular consequence: missense variant. On other transcripts: non-coding transcript variant (1).
Genome position (GRCh38, 1-based): chr5:90,840,983, A>C. VCF-style: chr5-90840983-A-C. GRCh37 (hg19) VCF-style: chr5-90136800-A-C.
Other names: short protein forms K5673Q.
Identifiers: ClinVar variation 904316 (VCV000904316.15), dbSNP rs41303350, ClinGen allele CA3342266.